The following is an entry in ClinVar:

ClinVar aggregate classification (germline): Conflicting classifications of pathogenicity. Review status: criteria provided, conflicting classifications (1 of 4 stars). 2 submissions from 2 submitters: Uncertain significance (1); Likely benign (1). Last evaluated 2023-03-23.

Conditions:
Hereditary cancer-predisposing syndrome. Also called: Neoplastic Syndromes, Hereditary; Tumor predisposition; Hereditary Cancer Syndrome; Hereditary neoplastic syndrome. Identifiers: Orphanet 140162, MedGen C0027672, MeSH D009386, MONDO:0015356.

Allele frequency attached by ClinVar (database versions not stated): gnomAD exomes below 0.00001.
gnomAD v4.1: 2 of 1,614,212 alleles (0.00012%); highest among the groups gnomAD compares: South Asian, 0.0011%; no homozygotes.

Submissions (2):

University of Washington Department of Laboratory Medicine, University of Washington
Classification: Likely benign for Hereditary cancer-predisposing syndrome. Last evaluated: 2023-03-23. Review status: criteria provided, single submitter. Criteria: Dines et al. (Genet Med. 2020). Collection method: curation. Allele origin: germline.
Comment: Missense variant in a coldspot region where missense variants are very unlikely to be pathogenic (PMID:31911673).

BRCA1 coldspot (exon 11 using historical exon numbering). Reclassification based on statistical prior probability

Ambry Genetics
Classification: Uncertain significance for Hereditary cancer-predisposing syndrome. Last evaluated: 2022-09-06. Review status: criteria provided, single submitter. Criteria: Ambry Variant Classification Scheme 2023. Collection method: clinical testing. Allele origin: germline.
Comment: The p.V382L variant (also known as c.1144G>C), located in coding exon 9 of the BRCA1 gene, results from a G to C substitution at nucleotide position 1144. The valine at codon 382 is replaced by leucine, an amino acid with highly similar properties. This amino acid position is highly conserved in available vertebrate species. In addition, this alteration is predicted to be deleterious by in silico analysis. Since supporting evidence is limited at this time, the clinical significance of this alteration remains unclear.

NM_007294.4(BRCA1):c.1144G>C (p.Val382Leu)

Gene: BRCA1 (BRCA1 DNA repair associated; minus strand). Cytogenetic location: 17q21.31.
Variant type: single nucleotide variant.
Coding change: c.1144G>C on transcript NM_007294.4 (MANE Select); coding-DNA position 1144, G replaced by C.
Protein change: p.Val382Leu; replaces valine 382 with leucine.
Molecular consequence: missense variant. On other transcripts: intron variant (137).
Genome position (GRCh38, 1-based): chr17:43,094,387, C>G on the plus strand (G>C on the coding strand, the complement: BRCA1 is on the minus strand). VCF-style: chr17-43094387-C-G. GRCh37 (hg19) VCF-style: chr17-41246404-C-G.
Other names: c.1003G>C, p.Val335Leu (NM_001407728.1, NM_001407738.1, NM_001407739.1 and 29 more transcripts); c.784+357G>C (NM_001407992.1, NM_001408473.1, NM_001408407.1 and 13 more transcripts); c.1000G>C, p.Val334Leu (NM_001407740.1, NM_001407741.1, NM_001407742.1 and 20 more transcripts); c.667+1459G>C (NM_001408431.1, NM_001408424.1, NM_001408421.1); c.661+357G>C (NM_001408432.1, NM_001408445.1, NM_001408447.1 and 6 more transcripts); c.787+357G>C (NM_007298.4, NM_001407978.1, NM_001407981.1 and 19 more transcripts); c.643+357G>C (NM_001408462.1, NM_001408470.1, NM_001408464.1 and 3 more transcripts); c.709+357G>C (NM_001408414.1, NM_001408411.1, NM_001408412.1 and 2 more transcripts); and 40 more; short protein forms V293L, V311L, V356L, V255L, V312L, V314L, V315L, V335L.
Identifiers: ClinVar variation 1732175 (VCV001732175.4), dbSNP rs1160165083, ClinGen allele CA10599769.